The following is an entry in ClinVar:

NM_001385012.1(NBEA):c.6368A>T (p.Asn2123Ile)

Gene: NBEA (neurobeachin; plus strand). Cytogenetic location: 13q13.3.
Variant type: single nucleotide variant.
Coding change: c.6368A>T on transcript NM_001385012.1 (MANE Select); coding-DNA position 6368, A replaced by T.
Protein change: p.Asn2123Ile; replaces asparagine 2123 with isoleucine.
Molecular consequence: missense variant.
Genome position (GRCh38, 1-based): chr13:35,452,155, A>T. VCF-style: chr13-35452155-A-T. GRCh37 (hg19) VCF-style: chr13-36026292-A-T.
Other names: c.6359A>T, p.Asn2120Ile (NM_001379245.1); c.6368A>T, p.Asn2123Ile (NM_015678.5); short protein forms N2120I, N2123I.
Identifiers: ClinVar variation 4995226 (VCV004995226.1).

ClinVar aggregate classification (germline): Uncertain significance (1 of 4 stars; one submission).

Conditions:
NBEA-related disorder. Also called: NBEA-related condition.

Submission:

PreventionGenetics, part of Exact Sciences
Classification: Uncertain significance for NBEA-related condition. Last evaluated: 2026-04-08. Review status: criteria provided, single submitter. Criteria: ACMG Guidelines, 2015. Collection method: clinical testing. Allele origin: germline.
Comment: The NBEA c.6368A>T variant is predicted to result in the amino acid substitution p.Asn2123Ile. To our knowledge, this variant has not been reported in the literature or in a large population database (gnomAD), indicating this variant is rare. At this time, the clinical significance of this variant is uncertain due to the absence of conclusive functional and genetic evidence.